The following is an entry in ClinVar:

NM_000548.5(TSC2):c.4555C>T (p.Leu1519=)

Gene: TSC2 (TSC complex subunit 2; plus strand). Cytogenetic location: 16p13.3.
Variant type: single nucleotide variant.
Coding change: c.4555C>T on transcript NM_000548.5 (MANE Select); coding-DNA position 4555, C replaced by T.
Protein change: p.Leu1519=; no amino-acid change (leucine 1519 retained).
Molecular consequence: synonymous variant.
Genome position (GRCh38, 1-based): chr16:2,085,012, C>T. VCF-style: chr16-2085012-C-T. GRCh37 (hg19) VCF-style: chr16-2135013-C-T.
Other names: c.4354C>T, p.Leu1452= (NM_001077183.3); c.4486C>T, p.Leu1496= (NM_001114382.3); c.4246C>T, p.Leu1416= (NM_001318827.2); c.4210C>T, p.Leu1404= (NM_001318829.2); c.3823C>T, p.Leu1275= (NM_001318831.2); c.4387C>T, p.Leu1463= (NM_001318832.2); c.4357C>T, p.Leu1453= (NM_001363528.2); c.4423C>T, p.Leu1475= (NM_001370404.1); and 1 more.
Identifiers: ClinVar variation 1088039 (VCV001088039.14), dbSNP rs958487832, ClinGen allele CA276754038.

ClinVar aggregate classification (germline): Benign/Likely benign. Review status: criteria provided, multiple submitters, no conflicts (2 of 4 stars). 4 submissions from 4 submitters: Benign (1); Likely benign (3). Last evaluated 2025-06-04.

Conditions:
Hereditary cancer-predisposing syndrome. Also called: Tumor predisposition; Neoplastic Syndromes, Hereditary; Hereditary Cancer Syndrome; Hereditary neoplastic syndrome. Identifiers: Orphanet 140162, MedGen C0027672, MeSH D009386, MONDO:0015356.
Tuberous sclerosis syndrome (TSC). Also called: Tuberous Sclerosis Complex; Tuberous sclerosis. Identifiers: Orphanet 805, MedGen C0041341, MONDO:0001734.
Tuberous sclerosis 2 (TSC2). Identifiers: Orphanet 805, MedGen C1860707, MONDO:0013199, OMIM 613254.

Allele frequency attached by ClinVar (database versions not stated): gnomAD 0.00001.
gnomAD v4.1: 1 of 1,613,320 alleles (0.000062%); highest among the groups gnomAD compares: African/African-American, 0.0013%; no homozygotes.

Submissions (4):

Myriad Genetics, Inc.
Classification: Benign for Tuberous sclerosis 2. Last evaluated: 2025-06-04. Review status: criteria provided, single submitter. Criteria: Myriad Autosomal Dominant, Autosomal Recessive and X-Linked Classification Criteria (2023). Collection method: clinical testing. Allele origin: unknown.
Comment: This variant is considered benign. This variant is a silent/synonymous amino acid change and it is not expected to impact splicing.

Labcorp Genetics (formerly Invitae), Labcorp
Classification: Likely benign for Tuberous sclerosis 2. Last evaluated: 2024-06-28. Review status: criteria provided, single submitter. Criteria: Invitae Variant Classification Sherloc (09022015). Collection method: clinical testing. Allele origin: germline.

All of Us Research Program, National Institutes of Health
Classification: Likely benign for Tuberous sclerosis syndrome. Last evaluated: 2023-03-09. Review status: criteria provided, single submitter. Criteria: ACMG Guidelines, 2015. Collection method: clinical testing. Allele origin: germline. Inheritance: Autosomal dominant inheritance. Observed: 1 variant allele, 1 heterozygote.
Comment: This study involves interpretation of variants in research participants for the purpose of population health screening. Participant phenotype was not available at the time of variant classification. Additional details can be found in publication PMID: 35346344, PMCID: PMC8962531

Ambry Genetics
Classification: Likely benign for Hereditary cancer-predisposing syndrome. Last evaluated: 2022-09-13. Review status: criteria provided, single submitter. Criteria: Ambry Variant Classification Scheme 2023. Collection method: clinical testing. Allele origin: germline.